The following is an entry in ClinVar:

ClinVar aggregate classification (germline): Uncertain significance (1 of 4 stars; one submission).

Conditions:
Mendelian susceptibility to mycobacterial diseases due to complete IL12B deficiency. Also called: IL12B DEFICIENCY; Immunodeficiency 29. Identifiers: Orphanet 319558, MedGen C4013948, MONDO:0013954, OMIM 614890.

Allele frequency attached by ClinVar (database versions not stated): gnomAD 0.00001; TOPMed 0.00001; gnomAD exomes 0.00004; ExAC 0.00005; 1000 Genomes Project 30x 0.00016; 1000 Genomes Project 0.00020.

Submission:

Labcorp Genetics (formerly Invitae), Labcorp
Classification: Uncertain significance for Mendelian susceptibility to mycobacterial diseases due to complete IL12B deficiency. Last evaluated: 2022-04-08. Review status: criteria provided, single submitter. Criteria: Invitae Variant Classification Sherloc (09022015). Collection method: clinical testing. Allele origin: germline.
Comment: In summary, the available evidence is currently insufficient to determine the role of this variant in disease. Therefore, it has been classified as a Variant of Uncertain Significance. Algorithms developed to predict the effect of missense changes on protein structure and function are either unavailable or do not agree on the potential impact of this missense change (SIFT: "Deleterious"; PolyPhen-2: "Benign"; Align-GVGD: "Class C0"). This variant has not been reported in the literature in individuals affected with IL12B-related conditions. This variant is present in population databases (rs199703726, gnomAD 0.05%). This sequence change replaces lysine, which is basic and polar, with arginine, which is basic and polar, at codon 124 of the IL12B protein (p.Lys124Arg).

NM_002187.3(IL12B):c.371A>G (p.Lys124Arg)

Gene: IL12B (interleukin 12B; minus strand). Cytogenetic location: 5q33.3.
Variant type: single nucleotide variant.
Coding change: c.371A>G on transcript NM_002187.3 (MANE Select); coding-DNA position 371, A replaced by G.
Protein change: p.Lys124Arg; replaces lysine 124 with arginine.
Molecular consequence: missense variant.
Genome position (GRCh38, 1-based): chr5:159,322,505, T>C on the plus strand (A>G on the coding strand, the complement: IL12B is on the minus strand). VCF-style: chr5-159322505-T-C. GRCh37 (hg19) VCF-style: chr5-158749513-T-C.
Other names: short protein forms K124R.
Identifiers: ClinVar variation 1927114 (VCV001927114.5), dbSNP rs199703726, ClinGen allele CA3538814.